The following is an entry in ClinVar:

NM_001130009.3(GEN1):c.2489C>A (p.Ser830Tyr)

Gene: GEN1 (GEN1 structure-specific endonuclease; plus strand). Cytogenetic location: 2p24.2.
Variant type: single nucleotide variant.
Coding change: c.2489C>A on transcript NM_001130009.3 (MANE Select); coding-DNA position 2489, C replaced by A.
Protein change: p.Ser830Tyr; replaces serine 830 with tyrosine.
Molecular consequence: missense variant.
Genome position (GRCh38, 1-based): chr2:17,781,701, C>A. VCF-style: chr2-17781701-C-A. GRCh37 (hg19) VCF-style: chr2-17962968-C-A.
Other names: c.2489C>A, p.Ser830Tyr (NM_182625.5); short protein forms S830Y.
Identifiers: ClinVar variation 5022320 (VCV005022320.1).

ClinVar aggregate classification (germline): Uncertain significance (1 of 4 stars; one submission).

Submission:

Ambry Genetics
Classification: Uncertain significance. Last evaluated: 2026-08-04. Review status: criteria provided, single submitter. Criteria: Ambry Variant Classification Scheme 2023. Collection method: clinical testing. Allele origin: germline.
Comment: The p.S830Y variant (also known as c.2489C>A), located in coding exon 13 of the GEN1 gene, results from a C to A substitution at nucleotide position 2489. The serine at codon 830 is replaced by tyrosine, an amino acid with dissimilar properties. This amino acid position is conserved. In addition, this alteration is predicted to be tolerated by in silico analysis. Based on the available evidence, the clinical significance of this variant remains unclear.